The following is an entry in ClinVar:

ClinVar aggregate classification (germline): Benign (1 of 4 stars; one submission).

Allele frequency attached by ClinVar (database versions not stated): 1000 Genomes Project 30x 0.28404; 1000 Genomes Project 0.28794; TOPMed 0.31401; gnomAD 0.31607 and 0.31930.
gnomAD v4.1: 48,041 of 151,938 alleles (32%); highest among the groups gnomAD compares: Middle Eastern, 36%; 7,684 homozygotes.

Submission:

GeneDx
Classification: Benign. Last evaluated: 2018-06-14. Review status: criteria provided, single submitter. Criteria: GeneDx Variant Classification (06012015). Collection method: clinical testing. Allele origin: germline. Affected: yes.
Comment: This variant is considered likely benign or benign based on one or more of the following criteria: it is a conservative change, it occurs at a poorly conserved position in the protein, it is predicted to be benign by multiple in silico algorithms, and/or has population frequency not consistent with disease.

NM_001351169.2(NT5C2):c.1159+248C>T

Gene: NT5C2 (5'-nucleotidase, cytosolic II; minus strand). Cytogenetic location: 10q24.32.
Variant type: single nucleotide variant.
Coding change: c.1159+248C>T on transcript NM_001351169.2 (MANE Select); 248 bases into the intron after coding-DNA position 1159, C replaced by T.
Molecular consequence: intron variant.
Genome position (GRCh38, 1-based): chr10:103,092,891, G>A on the plus strand (C>T on the coding strand, the complement: NT5C2 is on the minus strand). VCF-style: chr10-103092891-G-A. GRCh37 (hg19) VCF-style: chr10-104852648-G-A.
Other names: c.1072+248C>T (NM_001351174.1); c.586+248C>T (NM_001351191.1, NM_001351192.1, NM_001351193.1 and 16 more transcripts); c.445+248C>T (NM_001351194.2, NM_001351195.2, NM_001351196.2); c.1159+248C>T (NM_001134373.3, NM_012229.5); c.1183+248C>T (NM_001351170.2, NM_001351171.2, NM_001351172.2 and 1 more transcripts); c.1066+248C>T (NM_001351175.2).
Identifiers: ClinVar variation 667742 (VCV000667742.1), dbSNP rs3781281, ClinGen allele CA15638416.